The following is an entry in ClinVar:

ClinVar aggregate classification (germline): Pathogenic (1 of 4 stars; one submission).

Conditions:
Familial adenomatous polyposis 1 (FAP1). Also called: FAMILIAL ADENOMATOUS POLYPOSIS 1, ATTENUATED; POLYPOSIS, ADENOMATOUS INTESTINAL. Identifiers: MedGen C2713442, MONDO:0021056, OMIM 175100. Disease mechanism: loss of function.

Submission:

Myriad Genetics, Inc.
Classification: Pathogenic for Familial adenomatous polyposis 1. Last evaluated: 2023-04-27. Review status: criteria provided, single submitter. Criteria: Myriad Autosomal Dominant, Autosomal Recessive and X-Linked Classification Criteria (2023). Collection method: clinical testing. Allele origin: unknown.
Comment: This variant is considered pathogenic. This variant creates a frameshift predicted to result in premature protein truncation.

NM_000038.6(APC):c.897del (p.Ala300fs)

Gene: APC (APC regulator of Wnt signaling pathway; plus strand). Cytogenetic location: 5q22.2.
Variant type: Deletion.
Coding change: c.897del on transcript NM_000038.6 (MANE Select); coding-DNA position 897, one base deleted (T; older notation c.897delT).
Protein change: p.Ala300fs; shifts the reading frame from alanine 300.
Molecular consequence: frameshift variant. On other transcripts: non-coding transcript variant (2).
Genome position (GRCh38, 1-based): chr5:112,815,557, T deleted. VCF-style (leftmost placement, unchanged base first): chr5-112815556-CT-C. GRCh37 (hg19) VCF-style: chr5-112151253-CT-C.
Other names: c.720del, p.Ala241fs (NM_001354900.2, NM_001354901.2, NM_001354905.2 and 1 more transcripts); c.927del, p.Ala310fs (NM_001354902.2, NM_001407446.1, NM_001354897.2); c.48del, p.Ala17fs (NM_001354906.2, NM_001407470.1, NM_001407471.1 and 1 more transcripts); c.897del, p.Ala300fs (NM_001354903.2, NM_001407448.1, NM_001407447.1 and 12 more transcripts); c.822del, p.Ala275fs (NM_001354904.2, NM_001354898.2, NM_001407451.1); c.843del, p.Ala282fs (NM_001127511.3); c.813del, p.Ala272fs (NM_001354899.2, NM_001407452.1, NM_001407467.1 and 1 more transcripts); short protein forms A17fs, A241fs, A272fs, A275fs, A282fs, A300fs, A310fs.
Identifiers: ClinVar variation 2583759 (VCV002583759.2), dbSNP rs2532970502, ClinGen allele CA2582341283.
Genomic context (GRCh38, chr5:112,815,556, plus strand): 5'-GTTCAACTACACGAATGGACCATGAAACAGCCAGTGTTTTGAGTTCTAGTAGCACACACT[CT>C]GCACCTCGAAGGCTGACAAGTCATCTGGGAACCAAGGTAACAGAAGATTACAAACCCTGG-3'